The following is an entry in ClinVar:

NM_006231.4(POLE):c.5171C>T (p.Thr1724Ile)

Gene: POLE (DNA polymerase epsilon, catalytic subunit; minus strand). Cytogenetic location: 12q24.33.
Variant type: single nucleotide variant.
Coding change: c.5171C>T on transcript NM_006231.4 (MANE Select); coding-DNA position 5171, C replaced by T.
Protein change: p.Thr1724Ile; replaces threonine 1724 with isoleucine.
Molecular consequence: missense variant.
Genome position (GRCh38, 1-based): chr12:132,642,179, G>A on the plus strand (C>T on the coding strand, the complement: POLE is on the minus strand). VCF-style: chr12-132642179-G-A. GRCh37 (hg19) VCF-style: chr12-133218765-G-A.
Other names: short protein forms T1724I.
Identifiers: ClinVar variation 3225474 (VCV003225474.3), dbSNP rs2138528849, ClinGen allele CA387376608.

ClinVar aggregate classification (germline): Uncertain significance. Review status: criteria provided, multiple submitters, no conflicts (2 of 4 stars). 2 submissions from 2 submitters: Uncertain significance (2). Last evaluated 2025-09-24.

Conditions:
Hereditary cancer-predisposing syndrome. Also called: Neoplastic Syndromes, Hereditary; Tumor predisposition; Hereditary neoplastic syndrome; Hereditary Cancer Syndrome. Identifiers: Orphanet 140162, MedGen C0027672, MeSH D009386, MONDO:0015356.

Submissions (2):

Labcorp Genetics (formerly Invitae), Labcorp
Classification: Uncertain significance. Last evaluated: 2025-09-24. Review status: criteria provided, single submitter. Criteria: Invitae Variant Classification Sherloc (09022015). Collection method: clinical testing. Allele origin: germline.
Comment: This sequence change replaces threonine, which is neutral and polar, with isoleucine, which is neutral and non-polar, at codon 1724 of the POLE protein (p.Thr1724Ile). This variant is not present in population databases (gnomAD no frequency). This variant has not been reported in the literature in individuals affected with POLE-related conditions. ClinVar contains an entry for this variant (Variation ID: 3225474). An algorithm developed to predict the effect of missense changes on protein structure and function (PolyPhen-2) suggests that this variant is likely to be disruptive. In summary, the available evidence is currently insufficient to determine the role of this variant in disease. Therefore, it has been classified as a Variant of Uncertain Significance.

Ambry Genetics
Classification: Uncertain significance for Hereditary cancer-predisposing syndrome. Last evaluated: 2023-12-17. Review status: criteria provided, single submitter. Criteria: Ambry Variant Classification Scheme 2023. Collection method: clinical testing. Allele origin: germline.
Comment: The p.T1724I variant (also known as c.5171C>T), located in coding exon 38 of the POLE gene, results from a C to T substitution at nucleotide position 5171. The threonine at codon 1724 is replaced by isoleucine, an amino acid with similar properties. This amino acid position is conserved. In addition, the in silico prediction for this alteration is inconclusive. Since supporting evidence is limited at this time, the clinical significance of this alteration remains unclear.